The following is an entry in ClinVar:

NM_177438.3(DICER1):c.825A>C (p.Glu275Asp)

Gene: DICER1 (dicer 1, ribonuclease III; minus strand). Cytogenetic location: 14q32.13.
Variant type: single nucleotide variant.
Coding change: c.825A>C on transcript NM_177438.3 (MANE Select); coding-DNA position 825, A replaced by C.
Protein change: p.Glu275Asp; replaces glutamic acid 275 with aspartic acid.
Molecular consequence: missense variant. On other transcripts: 5 prime UTR variant (1), non-coding transcript variant (6).
Genome position (GRCh38, 1-based): chr14:95,126,658, T>G on the plus strand (A>C on the coding strand, the complement: DICER1 is on the minus strand). VCF-style: chr14-95126658-T-G. GRCh37 (hg19) VCF-style: chr14-95592995-T-G.
Other names: c.825A>C, p.Glu275Asp (NM_001195573.1, NM_001395678.1, NM_001395679.1 and 14 more transcripts); c.543A>C, p.Glu181Asp (NM_001395686.1); c.420A>C, p.Glu140Asp (NM_001395687.1, NM_001395688.1, NM_001395689.1 and 3 more transcripts); c.258A>C, p.Glu86Asp (NM_001395691.1); c.-744A>C (NM_001395697.1); short protein forms E275D, E86D, E140D, E181D.
Identifiers: ClinVar variation 3272007 (VCV003272007.1).
Genomic context (GRCh38, chr14:95,126,658, plus strand): 5'-AGAATCTCTTTCTTTTGAATGTACAGATATATTACAATCATTGATAAAATTAAGTGCTTC[T>G]TCTAATTCCATCAGCAGTCTTTCATAAAGCCCACTTCTGTCAGTAAATGGTCCACAATCC-3'
Protein context (NP_803187.1, residues 265-285): GLYERLLMEL[Glu275Asp]EALNFINDCN

ClinVar aggregate classification (germline): Uncertain significance (1 of 4 stars; one submission).

Conditions:
Hereditary cancer-predisposing syndrome. Also called: Tumor predisposition; Hereditary Cancer Syndrome; Hereditary neoplastic syndrome; Neoplastic Syndromes, Hereditary. Identifiers: Orphanet 140162, MedGen C0027672, MeSH D009386, MONDO:0015356.

gnomAD v4.1: 1 of 1,588,182 alleles (0.000063%); highest among the groups gnomAD compares: Non-Finnish European, 0.000086%; no homozygotes.

Submission:

Ambry Genetics
Classification: Uncertain significance for Hereditary cancer-predisposing syndrome. Last evaluated: 2024-04-17. Review status: criteria provided, single submitter. Criteria: Ambry Variant Classification Scheme 2023. Collection method: clinical testing. Allele origin: germline.
Comment: The p.E275D variant (also known as c.825A>C), located in coding exon 6 of the DICER1 gene, results from an A to C substitution at nucleotide position 825. The glutamic acid at codon 275 is replaced by aspartic acid, an amino acid with highly similar properties. This amino acid position is conserved. In addition, this alteration is predicted to be tolerated by in silico analysis. Based on the available evidence, the clinical significance of this variant remains unclear.